The following is an entry in ClinVar:

NM_021930.6(RINT1):c.1430A>T (p.Asp477Val)

Gene: RINT1 (RAD50 interactor 1; plus strand). Cytogenetic location: 7q22.3.
Variant type: single nucleotide variant.
Coding change: c.1430A>T on transcript NM_021930.6 (MANE Select); coding-DNA position 1430, A replaced by T.
Protein change: p.Asp477Val; replaces aspartic acid 477 with valine.
Molecular consequence: missense variant. On other transcripts: non-coding transcript variant (1).
Genome position (GRCh38, 1-based): chr7:105,551,666, A>T. VCF-style: chr7-105551666-A-T. GRCh37 (hg19) VCF-style: chr7-105192113-A-T.
Other names: c.1196A>T, p.Asp399Val (NM_001346599.2); c.407A>T, p.Asp136Val (NM_001346600.2, NM_001346603.2); c.506A>T, p.Asp169Val (NM_001346601.2); short protein forms D399V, D477V, D136V, D169V.
Identifiers: ClinVar variation 3945989 (VCV003945989.1).
Genomic context (GRCh38, chr7:105,551,666, plus strand): 5'-AAGCTGCCTGGGTATCGCAATATAAGGATATCACTGACGTGGATGAAATGAAAGTTCCAG[A>T]TTGTGCAGAAACTTTTATGACTCTACTCTTGGTTATAACTGGTAAGTATGTCTTTTAAGA-3'
Protein context (NP_068749.3, residues 467-487): ITDVDEMKVP[Asp477Val]CAETFMTLLL

ClinVar aggregate classification (germline): Uncertain significance (1 of 4 stars; one submission).

Submission:

Ambry Genetics
Classification: Uncertain significance. Last evaluated: 2025-05-02. Review status: criteria provided, single submitter. Criteria: Ambry Variant Classification Scheme 2023. Collection method: clinical testing. Allele origin: germline.
Comment: The p.D477V variant (also known as c.1430A>T), located in coding exon 10 of the RINT1 gene, results from an A to T substitution at nucleotide position 1430. The aspartic acid at codon 477 is replaced by valine, an amino acid with highly dissimilar properties. This amino acid position is conserved. In addition, the in silico prediction for this alteration is inconclusive. Based on the available evidence, the clinical significance of this variant remains unclear.